The following is an entry in ClinVar:

NM_012448.4(STAT5B):c.637G>T (p.Ala213Ser)

Gene: STAT5B (signal transducer and activator of transcription 5B; minus strand). Cytogenetic location: 17q21.2.
Variant type: single nucleotide variant.
Coding change: c.637G>T on transcript NM_012448.4 (MANE Select); coding-DNA position 637, G replaced by T.
Protein change: p.Ala213Ser; replaces alanine 213 with serine.
Molecular consequence: missense variant.
Genome position (GRCh38, 1-based): chr17:42,219,756, C>A on the plus strand (G>T on the coding strand, the complement: STAT5B is on the minus strand). VCF-style: chr17-42219756-C-A. GRCh37 (hg19) VCF-style: chr17-40371774-C-A.
Other names: short protein forms A213S.
Identifiers: ClinVar variation 645112 (VCV000645112.13), dbSNP rs377601290, ClinGen allele CA8574224.

ClinVar aggregate classification (germline): Uncertain significance. Review status: criteria provided, multiple submitters, no conflicts (2 of 4 stars). 2 submissions from 2 submitters: Uncertain significance (2). Last evaluated 2024-08-05.

Conditions:
Inborn genetic diseases. Identifiers: MedGen C0950123, MeSH D030342.
Growth hormone insensitivity with immune dysregulation 1, autosomal recessive. Also called: Laron syndrome with immunodeficiency; GROWTH HORMONE INSENSITIVITY DUE TO POSTRECEPTOR DEFECT; LARON SYNDROME DUE TO POSTRECEPTOR DEFECT; GROWTH HORMONE INSENSITIVITY SYNDROME WITH IMMUNE DYSREGULATION 1, AUTOSOMAL RECESSIVE. Identifiers: Orphanet 220465, MedGen C5435698, MONDO:0100211, OMIM 245590.

Allele frequency attached by ClinVar (database versions not stated): gnomAD exomes 0.00005 and 0.00007; TOPMed 0.00006; gnomAD 0.00009; ExAC 0.00012; ESP Exome Variant Server 0.00015.
gnomAD v4.1: 83 of 1,610,324 alleles (0.0052%); highest among the groups gnomAD compares: Non-Finnish European, 0.0067%; no homozygotes.

Submissions (2):

Labcorp Genetics (formerly Invitae), Labcorp
Classification: Uncertain significance for Growth hormone insensitivity with immune dysregulation 1, autosomal recessive. Last evaluated: 2024-08-05. Review status: criteria provided, single submitter. Criteria: Invitae Variant Classification Sherloc (09022015). Collection method: clinical testing. Allele origin: germline.
Comment: This sequence change replaces alanine, which is neutral and non-polar, with serine, which is neutral and polar, at codon 213 of the STAT5B protein (p.Ala213Ser). This variant is present in population databases (rs377601290, gnomAD 0.01%). This variant has not been reported in the literature in individuals affected with STAT5B-related conditions. ClinVar contains an entry for this variant (Variation ID: 645112). An algorithm developed to predict the effect of missense changes on protein structure and function (PolyPhen-2) suggests that this variant is likely to be disruptive. In summary, the available evidence is currently insufficient to determine the role of this variant in disease. Therefore, it has been classified as a Variant of Uncertain Significance.

Ambry Genetics
Classification: Uncertain significance for Inborn genetic diseases. Last evaluated: 2023-07-25. Review status: criteria provided, single submitter. Criteria: Ambry Variant Classification Scheme 2023. Collection method: clinical testing. Allele origin: germline.